The following is an entry in ClinVar:

NM_003227.4(TFR2):c.614+4A>G

Genes: TFR2 (transferrin receptor 2; minus strand), LOC129998967 (ATAC-STARR-seq lymphoblastoid silent region 18453; plus strand). Cytogenetic location: 7q22.1.
Variant type: single nucleotide variant.
Coding change: c.614+4A>G on transcript NM_003227.4 (MANE Select); 4 bases into the intron after coding-DNA position 614, A replaced by G.
Molecular consequence: intron variant.
Genome position (GRCh38, 1-based): chr7:100,633,412, T>C on the plus strand (A>G on the coding strand, the complement: TFR2 is on the minus strand). VCF-style: chr7-100633412-T-C. GRCh37 (hg19) VCF-style: chr7-100231035-T-C.
Other names: c.101+4A>G (NM_001206855.3); c.614+4A>G (NM_003227.3).
Identifiers: ClinVar variation 3594187 (VCV003594187.3).

ClinVar aggregate classification (germline): Likely pathogenic. Review status: criteria provided, multiple submitters, no conflicts (2 of 4 stars). 3 submissions from 3 submitters: Likely pathogenic (3). Last evaluated 2025-05-01.

Conditions:
Hemochromatosis type 3 (HFE3). Also called: HEMOCHROMATOSIS DUE TO DEFECT IN TRANSFERRIN RECEPTOR 2; TFR2-Related Hemochromatosis; Hereditary hemochromatosis type 3. Identifiers: Orphanet 225123, MedGen C1858664, MONDO:0011417, OMIM 604250.

Submissions (3):

Natera, Inc.
Classification: Likely pathogenic for Hereditary hemochromatosis type 3. Last evaluated: 2025-05-01. Review status: criteria provided, single submitter. Criteria: Natera Variant Classification Schema (03/2026). Collection method: clinical testing. Allele origin: germline.
Comment: The c.614+4A>G variant in TFR2 is an intronic variant located outside the canonical splice sites. This variant is rare in the general population with a frequency below the threshold expected for the associated phenotype(s). This variant has been observed in one or more individuals affected with the associated recessive disease, as either homozygous or compound heterozygous with a second variant (PMID: 19144662). Functional studies show that this variant may disrupt protein function (PMID: 19144662). Computational prediction algorithms indicate this variant is likely to affect gene or protein function. Given the available evidence, this variant is classified as Likely Pathogenic.

Revvity Omics, Revvity
Classification: Likely pathogenic for Hemochromatosis type 3. Last evaluated: 2025-03-25. Review status: criteria provided, single submitter. Criteria: ACMG Guidelines, 2015. Collection method: clinical testing. Allele origin: germline.

Fulgent Genetics
Classification: Likely pathogenic for Hemochromatosis type 3. Last evaluated: 2024-03-13. Review status: criteria provided, single submitter. Criteria: ACMG Guidelines, 2015. Collection method: clinical testing. Allele origin: germline.

Literature cited by the submitters: PubMed 19144662 (cited by Natera, Inc.).